The following is an entry in ClinVar:

NM_001134831.2(AHI1):c.2432A>G (p.Asn811Ser)

Gene: AHI1 (Abelson helper integration site 1; minus strand). Cytogenetic location: 6q23.3.
Variant type: single nucleotide variant.
Coding change: c.2432A>G on transcript NM_001134831.2 (MANE Select); coding-DNA position 2432, A replaced by G.
Protein change: p.Asn811Ser; replaces asparagine 811 with serine.
Molecular consequence: missense variant.
Genome position (GRCh38, 1-based): chr6:135,429,942, T>C on the plus strand (A>G on the coding strand, the complement: AHI1 is on the minus strand). VCF-style: chr6-135429942-T-C. GRCh37 (hg19) VCF-style: chr6-135751080-T-C.
Other names: c.2432A>G (NM_017651.4); c.2432A>G, p.Asn811Ser (NM_001134830.2, NM_001134832.2, NM_001350503.2 and 2 more transcripts); short protein forms N811S.
Identifiers: ClinVar variation 1517710 (VCV001517710.4), dbSNP rs375584168, ClinGen allele CA4012376.

ClinVar aggregate classification (germline): Uncertain significance. Review status: criteria provided, multiple submitters, no conflicts (2 of 4 stars). 2 submissions from 2 submitters: Uncertain significance (2). Last evaluated 2024-06-11.

Conditions:
Joubert syndrome. Also called: CEREBELLOPARENCHYMAL DISORDER IV; JOUBERT-BOLTSHAUSER SYNDROME; Familial aplasia of the vermis. Identifiers: Orphanet 475, MedGen C5979921, MONDO:0018772.
Joubert syndrome 3 (JBTS3). Also called: AHI1-related Ciliopathy. Identifiers: Orphanet 220493, MedGen C1837713, MONDO:0012078, OMIM 608629.

Allele frequency attached by ClinVar (database versions not stated): gnomAD exomes 0.00002 and 0.00004; TOPMed 0.00002; gnomAD 0.00003 and 0.00004; ExAC 0.00005; ESP Exome Variant Server 0.00009.
gnomAD v4.1: 38 of 1,591,292 alleles (0.0024%); highest among the groups gnomAD compares: Non-Finnish European, 0.0028%; no homozygotes.

Submissions (2):

Fulgent Genetics
Classification: Uncertain significance for Joubert syndrome 3. Last evaluated: 2024-06-11. Review status: criteria provided, single submitter. Criteria: ACMG Guidelines, 2015. Collection method: clinical testing. Allele origin: germline.

Labcorp Genetics (formerly Invitae), Labcorp
Classification: Uncertain significance for Joubert syndrome. Last evaluated: 2022-10-24. Review status: criteria provided, single submitter. Criteria: Invitae Variant Classification Sherloc (09022015). Collection method: clinical testing. Allele origin: germline.
Comment: This sequence change replaces asparagine, which is neutral and polar, with serine, which is neutral and polar, at codon 811 of the AHI1 protein (p.Asn811Ser). This variant is present in population databases (rs375584168, gnomAD 0.01%). This variant has not been reported in the literature in individuals affected with AHI1-related conditions. ClinVar contains an entry for this variant (Variation ID: 1517710). Advanced modeling of protein sequence and biophysical properties (such as structural, functional, and spatial information, amino acid conservation, physicochemical variation, residue mobility, and thermodynamic stability) performed at Invitae indicates that this missense variant is not expected to disrupt AHI1 protein function. In summary, the available evidence is currently insufficient to determine the role of this variant in disease. Therefore, it has been classified as a Variant of Uncertain Significance.